The following is an entry in ClinVar:

ClinVar aggregate classification (germline): Pathogenic (0 of 4 stars; one submission).

Conditions:
Fanconi anemia complementation group B (FANCB). Also called: FANCB-Related Fanconi Anemia; FANCONI PANCYTOPENIA, TYPE 2. Identifiers: Orphanet 84, MedGen C1845292, MONDO:0010351, OMIM 300514.

Submission:

Leiden Open Variation Database
Classification: Pathogenic for Fanconi anemia complementation group B. Last evaluated: 2020-02-28. Review status: no assertion criteria provided. Collection method: curation. Allele origin: germline. Affected: yes.
Comment: Curator: Arleen D. Auerbach. Submitter to LOVD: Arleen D. Auerbach.

NM_001018113.3(FANCB):c.1103C>A (p.Ser368Ter)

Gene: FANCB (FA complementation group B; minus strand). Cytogenetic location: Xp22.2.
Variant type: single nucleotide variant.
Coding change: c.1103C>A on transcript NM_001018113.3 (MANE Select); coding-DNA position 1103, C replaced by A.
Protein change: p.Ser368Ter; replaces serine 368 with a stop codon.
Molecular consequence: nonsense.
Genome position (GRCh38, 1-based): chrX:14,859,183, G>T on the plus strand (C>A on the coding strand, the complement: FANCB is on the minus strand). VCF-style: chrX-14859183-G-T. GRCh37 (hg19) VCF-style: chrX-14877305-G-T.
Other names: c.1103C>A, p.Ser368Ter (NM_001324162.2, NM_152633.4); short protein forms S368*.
Identifiers: ClinVar variation 691305 (VCV000691305.2), dbSNP rs143585647, ClinGen allele CA412442984.